The following is an entry in ClinVar:

ClinVar aggregate classification (germline): Uncertain significance (1 of 4 stars; one submission).

Submission:

Ambry Genetics
Classification: Uncertain significance. Last evaluated: 2023-12-11. Review status: criteria provided, single submitter. Criteria: Ambry Variant Classification Scheme 2023. Collection method: clinical testing. Allele origin: germline.
Comment: The p.A607G variant (also known as c.1820C>G), located in coding exon 16 of the BUB1 gene, results from a C to G substitution at nucleotide position 1820. The alanine at codon 607 is replaced by glycine, an amino acid with similar properties. This amino acid position is conserved. In addition, this alteration is predicted to be tolerated by in silico analysis. Since supporting evidence is limited at this time, the clinical significance of this alteration remains unclear.

NM_004336.5(BUB1):c.1820C>G (p.Ala607Gly)

Gene: BUB1 (BUB1 mitotic checkpoint serine/threonine kinase; minus strand). Cytogenetic location: 2q13.
Variant type: single nucleotide variant.
Coding change: c.1820C>G on transcript NM_004336.5 (MANE Select); coding-DNA position 1820, C replaced by G.
Protein change: p.Ala607Gly; replaces alanine 607 with glycine.
Molecular consequence: missense variant.
Genome position (GRCh38, 1-based): chr2:110,655,795, G>C on the plus strand (C>G on the coding strand, the complement: BUB1 is on the minus strand). VCF-style: chr2-110655795-G-C. GRCh37 (hg19) VCF-style: chr2-111413372-G-C.
Other names: c.1760C>G, p.Ala587Gly (NM_001278616.2); c.1820C>G, p.Ala607Gly (NM_001278617.2); short protein forms A587G, A607G.
Identifiers: ClinVar variation 3224020 (VCV003224020.1), dbSNP rs780060793, ClinGen allele CA348210664.